The following is an entry in ClinVar:

NM_001206927.2(DNAH8):c.4766C>G (p.Pro1589Arg)

Gene: DNAH8 (dynein axonemal heavy chain 8; plus strand). Cytogenetic location: 6p21.2.
Variant type: single nucleotide variant.
Coding change: c.4766C>G on transcript NM_001206927.2 (MANE Select); coding-DNA position 4766, C replaced by G.
Protein change: p.Pro1589Arg; replaces proline 1589 with arginine.
Molecular consequence: missense variant.
Genome position (GRCh38, 1-based): chr6:38,842,824, C>G. VCF-style: chr6-38842824-C-G. GRCh37 (hg19) VCF-style: chr6-38810600-C-G.
Other names: c.4115C>G, p.Pro1372Arg (NM_001371.4); short protein forms P1589R, P1372R.
Identifiers: ClinVar variation 4727971 (VCV004727971.1).

ClinVar aggregate classification (germline): Uncertain significance (1 of 4 stars; one submission).

Conditions:
Primary ciliary dyskinesia. Also called: Ciliary dyskinesia. Identifiers: Orphanet 244, MedGen C0008780, MONDO:0016575, HP:0012265.

gnomAD v4.1: 2 of 1,613,928 alleles (0.00012%); highest among the groups gnomAD compares: African/African-American, 0.0013%; no homozygotes.

Submission:

Labcorp Genetics (formerly Invitae), Labcorp
Classification: Uncertain significance for Primary ciliary dyskinesia. Last evaluated: 2025-08-04. Review status: criteria provided, single submitter. Criteria: Invitae Variant Classification Sherloc (09022015). Collection method: clinical testing. Allele origin: germline.
Comment: This sequence change replaces proline, which is neutral and non-polar, with arginine, which is basic and polar, at codon 1589 of the DNAH8 protein (p.Pro1589Arg). This variant is present in population databases (rs186408574, gnomAD 0.007%). This variant has not been reported in the literature in individuals affected with DNAH8-related conditions. Invitae Evidence Modeling of protein sequence and biophysical properties (such as structural, functional, and spatial information, amino acid conservation, physicochemical variation, residue mobility, and thermodynamic stability) indicates that this missense variant is not expected to disrupt DNAH8 protein function with a negative predictive value of 80%. In summary, the available evidence is currently insufficient to determine the role of this variant in disease. Therefore, it has been classified as a Variant of Uncertain Significance.